The following is an entry in ClinVar:

NM_001008212.2(OPTN):c.107C>T (p.Thr36Ile)

Genes: OPTN (optineurin; plus strand), LOC108903148 (10p13 OPTN distal Alu-mediated recombination region; plus strand). Cytogenetic location: 10p13.
Variant type: single nucleotide variant.
Coding change: c.107C>T on transcript NM_001008212.2 (MANE Select); coding-DNA position 107, C replaced by T.
Protein change: p.Thr36Ile; replaces threonine 36 with isoleucine.
Molecular consequence: missense variant.
Genome position (GRCh38, 1-based): chr10:13,109,229, C>T. VCF-style: chr10-13109229-C-T. GRCh37 (hg19) VCF-style: chr10-13151229-C-T.
Other names: c.107C>T, p.Thr36Ile (NM_001008211.1, NM_001008213.1, NM_021980.4); short protein forms T36I.
Identifiers: ClinVar variation 4874298 (VCV004874298.2).

ClinVar aggregate classification (germline): Uncertain significance (1 of 4 stars; one submission).

Submission:

CeGaT Center for Human Genetics Tuebingen
Classification: Uncertain significance. Last evaluated: 2026-04-01. Review status: criteria provided, single submitter. Criteria: CeGaT Center For Human Genetics Tuebingen Variant Classification Criteria Version 2. Collection method: clinical testing. Allele origin: germline. Affected: yes. Observed: 1 variant allele.
Comment: OPTN: PM2